The following is an entry in ClinVar:

NM_014384.3(ACAD8):c.121C>A (p.Leu41Ile)

Gene: ACAD8 (acyl-CoA dehydrogenase family member 8; plus strand). Cytogenetic location: 11q25.
Variant type: single nucleotide variant.
Coding change: c.121C>A on transcript NM_014384.3 (MANE Select); coding-DNA position 121, C replaced by A.
Protein change: p.Leu41Ile; replaces leucine 41 with isoleucine.
Molecular consequence: missense variant.
Genome position (GRCh38, 1-based): chr11:134,256,559, C>A. VCF-style: chr11-134256559-C-A. GRCh37 (hg19) VCF-style: chr11-134126453-C-A.
Other names: short protein forms L41I.
Identifiers: ClinVar variation 1403552 (VCV001403552.8), dbSNP rs2136075017, ClinGen allele CA383512415.

ClinVar aggregate classification (germline): Uncertain significance (1 of 4 stars; one submission).

Conditions:
Deficiency of isobutyryl-CoA dehydrogenase. Also called: ACAD8 DEFICIENCY; IBD DEFICIENCY; ACYL-CoA DEHYDROGENASE FAMILY, MEMBER 8, DEFICIENCY OF. Identifiers: Orphanet 79159, MedGen C1969809, MONDO:0012648, OMIM 611283.

Submission:

Labcorp Genetics (formerly Invitae), Labcorp
Classification: Uncertain significance for Deficiency of isobutyryl-CoA dehydrogenase. Last evaluated: 2024-10-28. Review status: criteria provided, single submitter. Criteria: Invitae Variant Classification Sherloc (09022015). Collection method: clinical testing. Allele origin: germline.
Comment: This sequence change replaces leucine, which is neutral and non-polar, with isoleucine, which is neutral and non-polar, at codon 41 of the ACAD8 protein (p.Leu41Ile). This variant is not present in population databases (gnomAD no frequency). This variant has not been reported in the literature in individuals affected with ACAD8-related conditions. ClinVar contains an entry for this variant (Variation ID: 1403552). Invitae Evidence Modeling of protein sequence and biophysical properties (such as structural, functional, and spatial information, amino acid conservation, physicochemical variation, residue mobility, and thermodynamic stability) has been performed for this missense variant. However, the output from this modeling did not meet the statistical confidence thresholds required to predict the impact of this variant on ACAD8 protein function. In summary, the available evidence is currently insufficient to determine the role of this variant in disease. Therefore, it has been classified as a Variant of Uncertain Significance.